The following is an entry in ClinVar:

NM_001127178.3(PIGG):c.1291_1293del (p.Asp431del)

Gene: PIGG (phosphatidylinositol glycan anchor biosynthesis class G (EMM blood group); plus strand). Cytogenetic location: 4p16.3.
Variant type: Deletion.
Coding change: c.1291_1293del on transcript NM_001127178.3 (MANE Select); coding-DNA positions 1291 to 1293, 3 bases deleted (GAC; older notation c.1291_1293delGAC).
Protein change: p.Asp431del; deletes aspartic acid 431.
Molecular consequence: inframe deletion. On other transcripts: non-coding transcript variant (6), intron variant (4).
Genome position (GRCh38, 1-based): chr4:521,232-521,234, GAC deleted; deleting any 3 consecutive bases within chr4:521,230-521,234 gives the same sequence; the c. name uses the placement nearest the transcript's 3' end. VCF-style (leftmost placement, unchanged base first): chr4-521229-TACG-T. GRCh37 (hg19) VCF-style: chr4-515018-TACG-T.
Other names: c.1024_1026del, p.Asp342del (NM_001289051.2, NM_001289053.2, NM_001345986.2 and 1 more transcripts); c.892_894del, p.Asp298del (NM_001289052.2); c.262_264del, p.Asp88del (NM_001345988.2); c.1291_1293del, p.Asp431del (NM_001345989.2, NM_017733.5); c.217_219del, p.Asp73del (NM_001345994.2); c.-202+5_-202+7del (NM_001345991.2, NM_001345990.2); c.848-428_848-426del (NM_001289057.2); c.920+5_920+7del (NM_001289055.2); short protein forms D431del, D73del, D88del, D298del, D342del.
Identifiers: ClinVar variation 1473272 (VCV001473272.6), dbSNP rs748953729, ClinGen allele CA2793265.

ClinVar aggregate classification (germline): Uncertain significance (1 of 4 stars; one submission).

Conditions:
Intellectual disability, autosomal recessive 53 (NEDHSCA). Also called: NEURODEVELOPMENTAL DISORDER WITH OR WITHOUT HYPOTONIA, SEIZURES, AND CEREBELLAR ATROPHY; GLYCOSYLPHOSPHATIDYLINOSITOL BIOSYNTHESIS DEFECT 13; Mental retardation, autosomal recessive 53. Identifiers: Orphanet 488635, MedGen C4310794, MONDO:0014832, OMIM 616917.

Submission:

Labcorp Genetics (formerly Invitae), Labcorp
Classification: Uncertain significance for Intellectual disability, autosomal recessive 53. Last evaluated: 2021-07-01. Review status: criteria provided, single submitter. Criteria: Invitae Variant Classification Sherloc (09022015). Collection method: clinical testing. Allele origin: germline.
Comment: This variant has not been reported in the literature in individuals affected with PIGG-related conditions. This variant is present in population databases (rs748953729, ExAC 0.001%). This variant, c.1291_1293del, results in the deletion of 1 amino acid(s) of the PIGG protein (p.Asp431del), but otherwise preserves the integrity of the reading frame. In summary, the available evidence is currently insufficient to determine the role of this variant in disease. Therefore, it has been classified as a Variant of Uncertain Significance. Experimental studies and prediction algorithms are not available or were not evaluated, and the functional significance of this variant is currently unknown.